The following is an entry in ClinVar:

NM_177438.3(DICER1):c.2588C>G (p.Pro863Arg)

Gene: DICER1 (dicer 1, ribonuclease III; minus strand). Cytogenetic location: 14q32.13.
Variant type: single nucleotide variant.
Coding change: c.2588C>G on transcript NM_177438.3 (MANE Select); coding-DNA position 2588, C replaced by G.
Protein change: p.Pro863Arg; replaces proline 863 with arginine.
Molecular consequence: missense variant. On other transcripts: non-coding transcript variant (6).
Genome position (GRCh38, 1-based): chr14:95,107,942, G>C on the plus strand (C>G on the coding strand, the complement: DICER1 is on the minus strand). VCF-style: chr14-95107942-G-C. GRCh37 (hg19) VCF-style: chr14-95574279-G-C.
Other names: c.2183C>G, p.Pro728Arg (NM_001395689.1, NM_001395690.1, NM_001395696.1 and 2 more transcripts); c.2021C>G, p.Pro674Arg (NM_001395691.1); c.2588C>G, p.Pro863Arg (NM_001395692.1, NM_001395693.1, NM_001395694.1 and 12 more transcripts); c.905C>G, p.Pro302Arg (NM_001395697.1); c.2306C>G, p.Pro769Arg (NM_001395686.1); short protein forms P302R, P674R, P728R, P863R, P769R.
Identifiers: ClinVar variation 5035269 (VCV005035269.1).
Genomic context (GRCh38, chr14:95,107,942, plus strand): 5'-ACATTAAGAGGTAGAACACAGTATGCTGAATCAGCGTCTGTAGGTTTAAATTCTAGTGCA[G>C]GTTTTTCAAGCCGAAGAATATGTGAGAATATATACTGGTGAAGTCTTGTAATCAACTCAA-3'
Protein context (NP_803187.1, residues 853-873): IFSHILRLEK[Pro863Arg]ALEFKPTDAD

ClinVar aggregate classification (germline): Uncertain significance (1 of 4 stars; one submission).

Conditions:
Hereditary cancer-predisposing syndrome. Also called: Hereditary Cancer Syndrome; Neoplastic Syndromes, Hereditary; Tumor predisposition; Hereditary neoplastic syndrome. Identifiers: Orphanet 140162, MedGen C0027672, MeSH D009386, MONDO:0015356.

gnomAD v4.1: 1 of 1,613,996 alleles (0.000062%); highest among the groups gnomAD compares: Non-Finnish European, 0.000085%; no homozygotes.

Submission:

Ambry Genetics
Classification: Uncertain significance for Hereditary cancer-predisposing syndrome. Last evaluated: 2026-07-07. Review status: criteria provided, single submitter. Criteria: Ambry Variant Classification Scheme 2023. Collection method: clinical testing. Allele origin: germline.
Comment: The p.P863R variant (also known as c.2588C>G), located in coding exon 15 of the DICER1 gene, results from a C to G substitution at nucleotide position 2588. The proline at codon 863 is replaced by arginine, an amino acid with dissimilar properties. This amino acid position is conserved. In addition, this alteration is predicted to be deleterious by in silico analysis. Based on the available evidence, the clinical significance of this variant remains unclear.